The following is an entry in ClinVar:

ClinVar aggregate classification (germline): Benign. Review status: criteria provided, multiple submitters, no conflicts (2 of 4 stars). 2 submissions from 2 submitters: Benign (2). Last evaluated 2018-06-14.

Allele frequency attached by ClinVar (database versions not stated): 1000 Genomes Project 0.40096; 1000 Genomes Project 30x 0.40787; TOPMed 0.49762; gnomAD 0.50670 and 0.51170; gnomAD exomes 0.55072.
gnomAD v4.1: 881,261 of 1,612,758 alleles (55%); highest among the groups gnomAD compares: Middle Eastern, 64%; 246,625 homozygotes.

Submissions (2):

GeneDx
Classification: Benign. Last evaluated: 2018-06-14. Review status: criteria provided, single submitter. Criteria: GeneDx Variant Classification (06012015). Collection method: clinical testing. Allele origin: germline. Affected: yes.
Comment: This variant is considered likely benign or benign based on one or more of the following criteria: it is a conservative change, it occurs at a poorly conserved position in the protein, it is predicted to be benign by multiple in silico algorithms, and/or has population frequency not consistent with disease.

Breakthrough Genomics
Classification: Benign. Review status: criteria provided, single submitter. Criteria: ACMG Guidelines, 2015. Collection method: not provided. Allele origin: germline. Inheritance: Autosomal dominant inheritance. Affected: yes.

NM_014000.3(VCL):c.2435-59C>A

Gene: VCL (vinculin; plus strand). Cytogenetic location: 10q22.2.
Variant type: single nucleotide variant.
Coding change: c.2435-59C>A on transcript NM_014000.3 (MANE Select); 59 bases into the intron before coding-DNA position 2435, C replaced by A.
Molecular consequence: intron variant.
Genome position (GRCh38, 1-based): chr10:74,107,171, C>A. VCF-style: chr10-74107171-C-A. GRCh37 (hg19) VCF-style: chr10-75866929-C-A.
Other names: c.2435-59C>A (NM_003373.4).
Identifiers: ClinVar variation 672696 (VCV000672696.2), dbSNP rs2131957, ClinGen allele CA13160006.
Genomic context (GRCh38, chr10:74,107,171, plus strand): 5'-TGATATTTACTGGCAGCTTCACATCCAGCTTTTGTTCATGGAACCAGTTCTGCTGCTGCA[C>A]AGACAGTGCTTTGGGGCACTGACCCACCCAGCTGAAAGTGAGGATGTCTTGTGTTTAGGA-3'